The following is an entry in ClinVar:

ClinVar aggregate classification (germline): Conflicting classifications of pathogenicity. Review status: criteria provided, conflicting classifications (1 of 4 stars). 7 submissions from 7 submitters: Uncertain significance (2); Benign (1); Likely benign (3). 1 of the submissions does not count toward it. Last evaluated 2026-01-28.

Conditions:
ADGRV1-related disorder. Also called: ADGRV1-related condition; ADGRV1-related disorders.
Usher syndrome type 2C. Also called: Usher syndrome, type 2B; USHER SYNDROME, TYPE IIC. Identifiers: Orphanet 231178, Orphanet 886, MedGen C2931213, MONDO:0011558, OMIM 605472.

Allele frequency attached by ClinVar (database versions not stated): ESP Exome Variant Server 0.00017; ExAC 0.00022; gnomAD exomes 0.00029; gnomAD 0.00046 and 0.00049; 1000 Genomes Project 0.00060; TOPMed 0.00068; 1000 Genomes Project 30x 0.00094.
gnomAD v4.1: 464 of 1,613,634 alleles (0.029%); highest among the groups gnomAD compares: Middle Eastern, 0.3%; 1 homozygote.

Submissions (7):

Labcorp Genetics (formerly Invitae), Labcorp
Classification: Likely benign. Last evaluated: 2026-01-28. Review status: criteria provided, single submitter. Criteria: Invitae Variant Classification Sherloc (09022015). Collection method: clinical testing. Allele origin: germline.

Blueprint Genetics
Classification: Likely benign. Last evaluated: 2024-11-17. Review status: criteria provided, single submitter. Criteria: ACMG Guidelines, 2015. Collection method: clinical testing. Allele origin: germline.

Illumina Laboratory Services, Illumina
Classification: Uncertain significance for Usher syndrome type 2C. Last evaluated: 2018-01-12. Review status: criteria provided, single submitter. Criteria: ICSL Variant Classification Criteria 13 December 2019. Collection method: clinical testing. Allele origin: germline.

Laboratory for Molecular Medicine, Mass General Brigham Personalized Medicine
Classification: Likely benign. Last evaluated: 2017-04-25. Review status: criteria provided, single submitter. Criteria: LMM Criteria. Collection method: clinical testing. Allele origin: germline. Observed: 2 variant alleles.
Comment: p.Pro704Pro in exon 11 of GPR98: This variant is not expected to have clinical s ignificance because it does not alter an amino acid residue, is not located with in the splice consensus sequence, and has been identified in 0.3% (29/10144) Ash kenazi Jewish chromosomes by the Genome Aggregation Database (gnomAD; dbSNP rs182990046).

Eurofins Ntd Llc (ga)
Classification: Uncertain significance. Last evaluated: 2016-02-12. Review status: criteria provided, single submitter. Criteria: EGL Classification Definitions 2015. Collection method: clinical testing. Allele origin: germline. Observed: 1 variant allele, 1 heterozygote.

GeneDx
Classification: Benign. Last evaluated: 2013-12-26. Review status: criteria provided, single submitter. Criteria: GeneDx Variant Classification (06012015). Collection method: clinical testing. Allele origin: germline. Affected: yes.
Comment: This variant is considered likely benign or benign based on one or more of the following criteria: it is a conservative change, it occurs at a poorly conserved position in the protein, it is predicted to be benign by multiple in silico algorithms, and/or has population frequency not consistent with disease.

PreventionGenetics, part of Exact Sciences
Classification: Likely benign for ADGRV1-related condition. Last evaluated: 2019-10-18. Review status: no assertion criteria provided. Collection method: clinical testing. Allele origin: germline. Not counted in ClinVar's aggregate classification.
Comment: This variant is classified as likely benign based on ACMG/AMP sequence variant interpretation guidelines (Richards et al. 2015 PMID: 25741868, with internal and published modifications).

NM_032119.4(ADGRV1):c.2112G>A (p.Pro704=)

Gene: ADGRV1 (adhesion G protein-coupled receptor V1; plus strand). Cytogenetic location: 5q14.3.
Variant type: single nucleotide variant.
Coding change: c.2112G>A on transcript NM_032119.4 (MANE Select); coding-DNA position 2112, G replaced by A.
Protein change: p.Pro704=; no amino-acid change (proline 704 retained).
Molecular consequence: synonymous variant. On other transcripts: non-coding transcript variant (1).
Genome position (GRCh38, 1-based): chr5:90,637,820, G>A. VCF-style: chr5-90637820-G-A. GRCh37 (hg19) VCF-style: chr5-89933637-G-A.
Other names: p.P704P:CCG>CCA.
Identifiers: ClinVar variation 137501 (VCV000137501.26), dbSNP rs182990046, ClinGen allele CA291109.